The following is an entry in ClinVar:

NM_004519.4(KCNQ3):c.2471C>T (p.Ser824Leu)

Gene: KCNQ3 (potassium voltage-gated channel subfamily Q member 3; minus strand). Cytogenetic location: 8q24.22.
Variant type: single nucleotide variant.
Coding change: c.2471C>T on transcript NM_004519.4 (MANE Select); coding-DNA position 2471, C replaced by T.
Protein change: p.Ser824Leu; replaces serine 824 with leucine.
Molecular consequence: missense variant.
Genome position (GRCh38, 1-based): chr8:132,129,410, G>A on the plus strand (C>T on the coding strand, the complement: KCNQ3 is on the minus strand). VCF-style: chr8-132129410-G-A. GRCh37 (hg19) VCF-style: chr8-133141657-G-A.
Other names: c.2111C>T, p.Ser704Leu (NM_001204824.2); short protein forms S704L, S824L.
Identifiers: ClinVar variation 2908594 (VCV002908594.3), dbSNP rs1019043967, ClinGen allele CA185430055.

ClinVar aggregate classification (germline): Uncertain significance (1 of 4 stars; one submission).

Conditions:
Benign neonatal seizures. Also called: Benign familial neonatal seizures; Convulsions benign familial neonatal dominant form; Autosomal dominant form of benign neonatal seizures; Benign neonatal familial convulsions; Benign familial neonatal epilepsy. Identifiers: Orphanet 1949, MedGen C0220669, MONDO:0016027.

Allele frequency attached by ClinVar (database versions not stated): TOPMed below 0.00001.
gnomAD v4.1: 2 of 1,614,064 alleles (0.00012%); highest among the groups gnomAD compares: Non-Finnish European, 0.000085%; no homozygotes.

Submission:

Labcorp Genetics (formerly Invitae), Labcorp
Classification: Uncertain significance for Benign neonatal seizures. Last evaluated: 2023-05-16. Review status: criteria provided, single submitter. Criteria: Invitae Variant Classification Sherloc (09022015). Collection method: clinical testing. Allele origin: germline.
Comment: Advanced modeling of protein sequence and biophysical properties (such as structural, functional, and spatial information, amino acid conservation, physicochemical variation, residue mobility, and thermodynamic stability) performed at Invitae indicates that this missense variant is not expected to disrupt KCNQ3 protein function. In summary, the available evidence is currently insufficient to determine the role of this variant in disease. Therefore, it has been classified as a Variant of Uncertain Significance. This variant has not been reported in the literature in individuals affected with KCNQ3-related conditions. This variant is not present in population databases (gnomAD no frequency). This sequence change replaces serine, which is neutral and polar, with leucine, which is neutral and non-polar, at codon 824 of the KCNQ3 protein (p.Ser824Leu).